The following is an entry in ClinVar:

NM_002294.3(LAMP2):c.773C>T (p.Thr258Ile)

Gene: LAMP2 (lysosome associated membrane protein 2; minus strand). Cytogenetic location: Xq24.
Variant type: single nucleotide variant.
Coding change: c.773C>T on transcript NM_002294.3 (MANE Select); coding-DNA position 773, C replaced by T.
Protein change: p.Thr258Ile; replaces threonine 258 with isoleucine.
Molecular consequence: missense variant.
Genome position (GRCh38, 1-based): chrX:120,446,396, G>A on the plus strand (C>T on the coding strand, the complement: LAMP2 is on the minus strand). VCF-style: chrX-120446396-G-A. GRCh37 (hg19) VCF-style: chrX-119580251-G-A.
Other names: c.773C>T, p.Thr258Ile (NM_001122606.1, NM_013995.2); short protein forms T258I.
Identifiers: ClinVar variation 532011 (VCV000532011.8), dbSNP rs111703410, ClinGen allele CA10505253.

ClinVar aggregate classification (germline): Uncertain significance (1 of 4 stars; one submission).

Conditions:
Danon disease. Also called: ANTOPOL DISEASE; PSEUDOGLYCOGENOSIS II; GSD IIb; LYSOSOMAL GLYCOGEN STORAGE DISEASE WITHOUT ACID MALTASE DEFICIENCY; Glycogen Storage Disease Type IIb. Identifiers: Orphanet 34587, MedGen C0878677, MONDO:0010281, OMIM 300257.

Allele frequency attached by ClinVar (database versions not stated): ExAC 0.00001; gnomAD 0.00001; gnomAD exomes 0.00001; 1000 Genomes Project 30x 0.00021; 1000 Genomes Project 0.00026.
gnomAD v4.1: 14 of 1,205,414 alleles (0.0012%); highest among the groups gnomAD compares: African/African-American, 0.014%; no homozygotes.

Submission:

Labcorp Genetics (formerly Invitae), Labcorp
Classification: Uncertain significance for Danon disease. Last evaluated: 2024-10-22. Review status: criteria provided, single submitter. Criteria: Invitae Variant Classification Sherloc (09022015). Collection method: clinical testing. Allele origin: germline.
Comment: This sequence change replaces threonine, which is neutral and polar, with isoleucine, which is neutral and non-polar, at codon 258 of the LAMP2 protein (p.Thr258Ile). This variant is present in population databases (rs111703410, gnomAD 0.008%). This variant has not been reported in the literature in individuals affected with LAMP2-related conditions. ClinVar contains an entry for this variant (Variation ID: 532011). Invitae Evidence Modeling of protein sequence and biophysical properties (such as structural, functional, and spatial information, amino acid conservation, physicochemical variation, residue mobility, and thermodynamic stability) indicates that this missense variant is not expected to disrupt LAMP2 protein function with a negative predictive value of 80%. In summary, the available evidence is currently insufficient to determine the role of this variant in disease. Therefore, it has been classified as a Variant of Uncertain Significance.